The following is an entry in ClinVar:

NM_015650.4(IFT54):c.1858A>T (p.Met620Leu)

Gene: IFT54 (intraflagellar transport 54; plus strand). Cytogenetic location: 2q37.3.
Variant type: single nucleotide variant.
Coding change: c.1858A>T on transcript NM_015650.4 (MANE Select); coding-DNA position 1858, A replaced by T.
Protein change: p.Met620Leu; replaces methionine 620 with leucine.
Molecular consequence: missense variant.
Genome position (GRCh38, 1-based): chr2:238,397,627, A>T. VCF-style: chr2-238397627-A-T. GRCh37 (hg19) VCF-style: chr2-239306268-A-T.
Other names: c.1660A>T, p.Met554Leu (NM_001139490.1); short protein forms M554L, M620L.
Identifiers: ClinVar variation 1002358 (VCV001002358.10), dbSNP rs3739070, ClinGen allele CA2198591.

ClinVar aggregate classification (germline): Uncertain significance. Review status: criteria provided, multiple submitters, no conflicts (2 of 4 stars). 2 submissions from 2 submitters: Uncertain significance (2). Last evaluated 2024-04-01.

Allele frequency attached by ClinVar (database versions not stated): TOPMed 0.00002; 1000 Genomes Project 30x 0.00016.
gnomAD v4.1: 31 of 1,607,812 alleles (0.0019%); highest among the groups gnomAD compares: Non-Finnish European, 0.0026%; no homozygotes.

Submissions (2):

Labcorp Genetics (formerly Invitae), Labcorp
Classification: Uncertain significance. Last evaluated: 2024-04-01. Review status: criteria provided, single submitter. Criteria: Invitae Variant Classification Sherloc (09022015). Collection method: clinical testing. Allele origin: germline.
Comment: This sequence change replaces methionine, which is neutral and non-polar, with leucine, which is neutral and non-polar, at codon 620 of the TRAF3IP1 protein (p.Met620Leu). This variant is present in population databases (rs3739070, gnomAD 0.005%). This variant has not been reported in the literature in individuals affected with TRAF3IP1-related conditions. ClinVar contains an entry for this variant (Variation ID: 1002358). Advanced modeling of protein sequence and biophysical properties (such as structural, functional, and spatial information, amino acid conservation, physicochemical variation, residue mobility, and thermodynamic stability) performed at Invitae indicates that this missense variant is not expected to disrupt TRAF3IP1 protein function with a negative predictive value of 80%. In summary, the available evidence is currently insufficient to determine the role of this variant in disease. Therefore, it has been classified as a Variant of Uncertain Significance.

Blueprint Genetics
Classification: Uncertain significance. Last evaluated: 2018-09-18. Review status: criteria provided, single submitter. Criteria: ACMG Guidelines, 2015. Collection method: clinical testing. Allele origin: germline.